The following is an entry in ClinVar:

ClinVar aggregate classification (germline): Pathogenic. Review status: criteria provided, multiple submitters, no conflicts (2 of 4 stars). 6 submissions from 6 submitters: Pathogenic (4). 2 of the submissions do not count toward it. Last evaluated 2026-01-14.

Conditions:
Noonan syndrome 7 (NS7). Also called: BRAF-Related Noonan Syndrome. Identifiers: Orphanet 648, MedGen C3150970, MONDO:0013379, OMIM 613706.
Prostate cancer, hereditary, 1 (HPC1). Identifiers: Orphanet 1331, MedGen C4722327, MONDO:0011098, OMIM 601518.
Cardio-facio-cutaneous syndrome. Also called: Cardiofaciocutaneous syndrome; CFC syndrome. Identifiers: Orphanet 1340, MedGen C1275081, MONDO:0015280. Disease mechanism: gain of function.
BRAF-related disorder. Also called: BRAF-related condition.
RASopathy. Also called: rasopathies; Noonan spectrum disorder. Identifiers: Orphanet 536391, MedGen C5555857, MONDO:0021060.

Submissions (6):

3billion
Classification: Pathogenic for Noonan syndrome 7. Last evaluated: 2026-01-14. Review status: criteria provided, single submitter. Criteria: ACMG Guidelines, 2015. Collection method: clinical testing. Allele origin: germline. Affected: yes.
Comment: The variant is not observed in the gnomAD v4.1.0 dataset. Predicted Consequence/Location: The variant is located in a mutational hot spot and/or well-established functional domain in which established pathogenic variants have been reported (PMID: 29493581, 29493581). In silico tool predictions suggest damaging effect of the variant on gene or gene product [REVEL: 0.94 (>=0.6, sensitivity 0.68 and specificity 0.92); 3Cnet: 1.00 (> 0.75, sensitivity 0.96 and precision 0.92)]. The same nucleotide change resulting in the same amino acid change has been previously reported as pathogenic/likely pathogenic with strong evidence (ClinVar ID: VCV000372572 /PMID: 33128510 /3billion dataset). Different missense changes at the same codon (p.Gly464Ala, p.Gly464Glu, p.Gly464Val) have been reported as pathogenic/likely pathogenic with strong evidence (ClinVar ID: VCV000013964, VCV000040364, VCV000040365 /PMID: 18413255, 33040082 /3billion dataset). Therefore, this variant is classified as Pathogenic according to the recommendation of ACMG/AMP guideline.

GeneDx
Classification: Pathogenic. Last evaluated: 2025-07-14. Review status: criteria provided, single submitter. Criteria: GeneDx Variant Classification Process June 2021. Collection method: clinical testing. Allele origin: germline. Affected: yes.
Comment: In silico analysis supports that this missense variant has a deleterious effect on protein structure/function; Missense variants in this gene are a common cause of disease and they are underrepresented in the general population; Not observed at significant frequency in large population cohorts (gnomAD); This variant is associated with the following publications: (PMID: 24918823, 34358384, 36964972, 25157968, 18386342, 24957944, 15488754, 16439621, 15520807, 17603483, 29493581, 33128510, 17704260)

PreventionGenetics, part of Exact Sciences
Classification: Pathogenic for BRAF-related condition. Last evaluated: 2025-06-04. Review status: criteria provided, single submitter. Criteria: ACMG Guidelines, 2015. Collection method: clinical testing. Allele origin: germline.
Comment: The BRAF c.1390G>A variant is predicted to result in the amino acid substitution p.Gly464Arg. This variant has been reported in individuals with cardiofaciocutaneous syndrome and Noonan syndrome (Bertola et al. 2020. PubMed ID: 33128510; Nava et al. 2007. PubMed ID: 17704260; Abe et al. 2012. PubMed ID: 22495831). In addition, an alternate nucleotide substitution resulting in the same amino acid change (c.1390G>C; p.Gly464Arg) as well as other amino acid substitutions at the p.464 residue (p.Gly464Glu and Gly464Val) have also been documented in individuals with BRAF-related disorders (Table S2 in Bessis et al. 2019. PubMed ID: 30141192; Rauen et al. 2021. PubMed ID: 33274568; Lee et al. 2021. PubMed ID: 33040082). In ClinVar, the c.1390G>A (p.Gly464Arg) variant is interpreted as likely pathogenic/pathogenic. This variant has not been reported in a large population database (gnomAD), indicating this variant is rare. Based on this evidence, we interpret the c.1390G>A (p.Gly464Arg) variant as pathogenic.

Labcorp Genetics (formerly Invitae), Labcorp
Classification: Pathogenic for RASopathy. Last evaluated: 2023-11-27. Review status: criteria provided, single submitter. Criteria: Invitae Variant Classification Sherloc (09022015). Collection method: clinical testing. Allele origin: germline.
Comment: This sequence change replaces glycine, which is neutral and non-polar, with arginine, which is basic and polar, at codon 464 of the BRAF protein (p.Gly464Arg). This variant is not present in population databases (gnomAD no frequency). This missense change has been observed in individuals with BRAF-related syndromes (PMID: 17704260; Invitae). ClinVar contains an entry for this variant (Variation ID: 372572). Advanced modeling of protein sequence and biophysical properties (such as structural, functional, and spatial information, amino acid conservation, physicochemical variation, residue mobility, and thermodynamic stability) performed at Invitae indicates that this missense variant is expected to disrupt BRAF protein function with a positive predictive value of 80%. This variant disrupts the p.Gly464 amino acid residue in BRAF. Other variant(s) that disrupt this residue have been determined to be pathogenic (PMID: 18039235, 18413255, 19376813, 23907581). This suggests that this residue is clinically significant, and that variants that disrupt this residue are likely to be disease-causing. For these reasons, this variant has been classified as Pathogenic.

Service de Génétique Moléculaire, Hôpital Robert Debré
Classification: Likely pathogenic for Cardio-facio-cutaneous syndrome. Review status: no assertion criteria provided. Collection method: clinical testing. Allele origin: de novo. Affected: yes. Observed: 1 variant allele. Not counted in ClinVar's aggregate classification.

Laboratory of Virology, Oncology, Biosciences and Environment, Faculty of Sciences and Techniques, Mohammedia- University Hassan II of Casablanca
Classification: Uncertain significance for Prostate cancer, hereditary, 1. Last evaluated: 2022-07-29. Review status: flagged submission. Collection method: clinical testing. Allele origin: germline. Affected: yes. Not counted in ClinVar's aggregate classification.
ClinVar note: Reason: Outlier claim with insufficient supporting evidence

Literature cited by the submitters: PubMed 29493581 (cited by 3billion); PubMed 33128510 (cited by 3billion); PubMed 18413255 (cited by 3billion and Labcorp Genetics (formerly Invitae), Labcorp); PubMed 17704260 (cited by Labcorp Genetics (formerly Invitae), Labcorp); PubMed 18039235 (cited by Labcorp Genetics (formerly Invitae), Labcorp); PubMed 19376813 (cited by Labcorp Genetics (formerly Invitae), Labcorp); PubMed 23907581 (cited by Labcorp Genetics (formerly Invitae), Labcorp).

NM_004333.6(BRAF):c.1390G>A (p.Gly464Arg)

Gene: BRAF (B-Raf proto-oncogene, serine/threonine kinase; minus strand). Cytogenetic location: 7q34.
Variant type: single nucleotide variant.
Coding change: c.1390G>A on transcript NM_004333.6 (MANE Select); coding-DNA position 1390, G replaced by A.
Protein change: p.Gly464Arg; replaces glycine 464 with arginine.
Molecular consequence: missense variant.
Genome position (GRCh38, 1-based): chr7:140,781,618, C>T on the plus strand (G>A on the coding strand, the complement: BRAF is on the minus strand). VCF-style: chr7-140781618-C-T. GRCh37 (hg19) VCF-style: chr7-140481418-C-T.
Other names: c.1390G>A, p.Gly464Arg (NM_001354609.2, NM_001378468.1, NM_001378474.1); c.1510G>A, p.Gly504Arg (NM_001374244.1, NM_001374258.1); c.1399G>A, p.Gly467Arg (NM_001378467.1); c.1324G>A, p.Gly442Arg (NM_001378469.1); c.1288G>A, p.Gly430Arg (NM_001378470.1); c.1279G>A, p.Gly427Arg (NM_001378471.1); c.1234G>A, p.Gly412Arg (NM_001378472.1, NM_001378473.1); c.1126G>A, p.Gly376Arg (NM_001378475.1); short protein forms G464R, G376R, G412R, G427R, G430R, G442R, G467R, G504R.
Identifiers: ClinVar variation 372572 (VCV000372572.18), dbSNP rs121913349, ClinGen allele CA16042578.